The following is an entry in ClinVar:

NM_001127392.3(MYRF):c.710T>C (p.Leu237Pro)

Gene: MYRF (myelin regulatory factor; plus strand). Cytogenetic location: 11q12.2.
Variant type: single nucleotide variant.
Coding change: c.710T>C on transcript NM_001127392.3 (MANE Select); coding-DNA position 710, T replaced by C.
Protein change: p.Leu237Pro; replaces leucine 237 with proline.
Molecular consequence: missense variant.
Genome position (GRCh38, 1-based): chr11:61,770,495, T>C. VCF-style: chr11-61770495-T-C. GRCh37 (hg19) VCF-style: chr11-61537967-T-C.
Other names: c.683T>C, p.Leu228Pro (NM_013279.4); short protein forms L228P, L237P.
Identifiers: ClinVar variation 2500368 (VCV002500368.1), dbSNP rs2540896611, ClinGen allele CA380847976.

ClinVar aggregate classification (germline): Uncertain significance (1 of 4 stars; one submission).

Submission:

GeneDx
Classification: Uncertain significance. Last evaluated: 2022-10-27. Review status: criteria provided, single submitter. Criteria: GeneDx Variant Classification Process June 2021. Collection method: clinical testing. Allele origin: germline. Affected: yes.
Comment: Not observed at significant frequency in large population cohorts (gnomAD); In silico analysis supports that this missense variant has a deleterious effect on protein structure/function; Has not been previously published as pathogenic or benign to our knowledge